The following is an entry in ClinVar:

NM_006204.4(PDE6C):c.2339T>C (p.Ile780Thr)

Gene: PDE6C (phosphodiesterase 6C; plus strand). Cytogenetic location: 10q23.33.
Variant type: single nucleotide variant.
Coding change: c.2339T>C on transcript NM_006204.4 (MANE Select); coding-DNA position 2339, T replaced by C.
Protein change: p.Ile780Thr; replaces isoleucine 780 with threonine.
Molecular consequence: missense variant.
Genome position (GRCh38, 1-based): chr10:93,662,615, T>C. VCF-style: chr10-93662615-T-C. GRCh37 (hg19) VCF-style: chr10-95422372-T-C.
Other names: short protein forms I780T.
Identifiers: ClinVar variation 1357694 (VCV001357694.10), dbSNP rs370735323, ClinGen allele CA5610477.
Genomic context (GRCh38, chr10:93,662,615, plus strand): 5'-TCTAGCCTATGATGGACAGAAACAAAAGAGATGAATTACCTAAACTTCAAGTTGGATTTA[T>C]TGATTTTGTTTGTACTTTTGTATATAAGGTAAGTAAGCAAATTATTTGAATTAAATACAT-3'
Protein context (NP_006195.3, residues 770-790): DELPKLQVGF[Ile780Thr]DFVCTFVYKE

ClinVar aggregate classification (germline): Uncertain significance. Review status: criteria provided, multiple submitters, no conflicts (2 of 4 stars). 3 submissions from 3 submitters: Uncertain significance (3). Last evaluated 2024-12-05.

Conditions:
Cone dystrophy 4 (COD4). Identifiers: Orphanet 49382, MedGen C2751308, MONDO:0013129, OMIM 613093.

Allele frequency attached by ClinVar (database versions not stated): gnomAD exomes below 0.00001; ExAC 0.00001; gnomAD 0.00001; ESP Exome Variant Server 0.00008.
gnomAD v4.1: 3 of 1,458,544 alleles (0.00021%); highest among the groups gnomAD compares: East Asian, 0.0023%; no homozygotes.

Submissions (3):

Revvity Omics, Revvity
Classification: Uncertain significance for Cone dystrophy 4. Last evaluated: 2024-12-05. Review status: criteria provided, single submitter. Criteria: ACMG Guidelines, 2015. Collection method: clinical testing. Allele origin: germline.

Labcorp Genetics (formerly Invitae), Labcorp
Classification: Uncertain significance. Last evaluated: 2022-02-05. Review status: criteria provided, single submitter. Criteria: Invitae Variant Classification Sherloc (09022015). Collection method: clinical testing. Allele origin: germline.
Comment: In summary, the available evidence is currently insufficient to determine the role of this variant in disease. Therefore, it has been classified as a Variant of Uncertain Significance. Algorithms developed to predict the effect of missense changes on protein structure and function (SIFT, PolyPhen-2, Align-GVGD) all suggest that this variant is likely to be disruptive. This variant has not been reported in the literature in individuals affected with PDE6C-related conditions. This variant is present in population databases (rs370735323, gnomAD 0.005%). This sequence change replaces isoleucine, which is neutral and non-polar, with threonine, which is neutral and polar, at codon 780 of the PDE6C protein (p.Ile780Thr).

Blueprint Genetics
Classification: Uncertain significance. Last evaluated: 2021-10-15. Review status: criteria provided, single submitter. Criteria: ACMG Guidelines, 2015. Collection method: clinical testing. Allele origin: germline.